The following is an entry in ClinVar:

ClinVar aggregate classification (germline): Uncertain significance (0 of 4 stars; one submission).

Conditions:
PLXNA4-related disorder. Also called: PLXNA4-related condition.

Submission:

PreventionGenetics, part of Exact Sciences
Classification: Uncertain significance for PLXNA4-related condition. Last evaluated: 2024-07-23. Review status: no assertion criteria provided. Collection method: clinical testing. Allele origin: germline.
Comment: The PLXNA4 c.3964A>G variant is predicted to result in the amino acid substitution p.Met1322Val. To our knowledge, this variant has not been reported in the literature. This variant is reported in 0.0058% of alleles in individuals of Latino descent in gnomAD. At this time, the clinical significance of this variant is uncertain due to the absence of conclusive functional and genetic evidence.

NM_020911.2(PLXNA4):c.3964A>G (p.Met1322Val)

Gene: PLXNA4 (plexin A4; minus strand). Cytogenetic location: 7q32.3.
Variant type: single nucleotide variant.
Coding change: c.3964A>G on transcript NM_020911.2 (MANE Select); coding-DNA position 3964, A replaced by G.
Protein change: p.Met1322Val; replaces methionine 1322 with valine.
Molecular consequence: missense variant.
Genome position (GRCh38, 1-based): chr7:132,174,831, T>C on the plus strand (A>G on the coding strand, the complement: PLXNA4 is on the minus strand). VCF-style: chr7-132174831-T-C. GRCh37 (hg19) VCF-style: chr7-131859590-T-C.
Other names: c.3964A>G, p.Met1322Val (NM_001393897.1); short protein forms M1322V.
Identifiers: ClinVar variation 3354658 (VCV003354658.1).